The following is an entry in ClinVar:

ClinVar aggregate classification (germline): Uncertain significance (1 of 4 stars; one submission).

Conditions:
Arrhythmogenic right ventricular cardiomyopathy (ARVD). Also called: Arrhythmogenic right ventricular dysplasia; Cardiomyopathy, ARVC; Arrhythmogenic cardiomyopathy; Arrhythmogenic Right Ventricular Cardiomyopathy (ARVC). Identifiers: Orphanet 247, MedGen C0349788, MeSH D019571, MONDO:0016587. Disease mechanism: loss of function. Inheritance: Various modes of inheritance.

Allele frequency attached by ClinVar (database versions not stated): gnomAD 0.00001.
gnomAD v4.1: 1 of 1,613,962 alleles (0.000062%); highest among the groups gnomAD compares: Non-Finnish European, 0.000085%; no homozygotes.

Submission:

All of Us Research Program, National Institutes of Health
Classification: Uncertain significance for Arrhythmogenic right ventricular cardiomyopathy. Last evaluated: 2023-12-01. Review status: criteria provided, single submitter. Criteria: ACMG Guidelines, 2015. Collection method: clinical testing. Allele origin: germline. Inheritance: Autosomal dominant inheritance. Observed: 1 variant allele, 1 heterozygote.
Comment: This study involves interpretation of variants in research participants for the purpose of population health screening. Participant phenotype was not available at the time of variant classification. Additional details can be found in publication PMID: 35346344, PMCID: PMC8962531

NM_001943.5(DSG2):c.410A>T (p.Asn137Ile)

Gene: DSG2 (desmoglein 2; plus strand). Cytogenetic location: 18q12.1.
Variant type: single nucleotide variant.
Coding change: c.410A>T on transcript NM_001943.5 (MANE Select); coding-DNA position 410, A replaced by T.
Protein change: p.Asn137Ile; replaces asparagine 137 with isoleucine.
Molecular consequence: missense variant.
Genome position (GRCh38, 1-based): chr18:31,521,130, A>T. VCF-style: chr18-31521130-A-T. GRCh37 (hg19) VCF-style: chr18-29101093-A-T.
Other names: short protein forms N137I.
Identifiers: ClinVar variation 3074678 (VCV003074678.1), dbSNP rs1568105285, ClinGen allele CA402131938.